The following is an entry in ClinVar:

ClinVar aggregate classification (germline): Uncertain significance (1 of 4 stars; one submission).

Submission:

GeneDx
Classification: Uncertain significance. Last evaluated: 2023-06-25. Review status: criteria provided, single submitter. Criteria: GeneDx Variant Classification Process June 2021. Collection method: clinical testing. Allele origin: germline. Affected: yes.
Comment: Not observed at significant frequency in large population cohorts (gnomAD); Has not been previously published as pathogenic or benign to our knowledge; In silico analysis suggests this variant may impact gene splicing. In the absence of RNA/functional studies, the actual effect of this sequence change is unknown.

NM_031310.3(PLVAP):c.369G>T (p.Arg123=)

Gene: PLVAP (plasmalemma vesicle associated protein; minus strand). Cytogenetic location: 19p13.11.
Variant type: single nucleotide variant.
Coding change: c.369G>T on transcript NM_031310.3 (MANE Select); coding-DNA position 369, G replaced by T.
Protein change: p.Arg123=; no amino-acid change (arginine 123 retained).
Molecular consequence: synonymous variant.
Genome position (GRCh38, 1-based): chr19:17,376,920, C>A on the plus strand (G>T on the coding strand, the complement: PLVAP is on the minus strand). VCF-style: chr19-17376920-C-A. GRCh37 (hg19) VCF-style: chr19-17487729-C-A.
Identifiers: ClinVar variation 3360250 (VCV003360250.1).